The following is an entry in ClinVar:

NM_000363.5(TNNI3):c.304G>A (p.Ala102Thr)

Gene: TNNI3 (troponin I3, cardiac type; minus strand). Cytogenetic location: 19q13.42.
Variant type: single nucleotide variant.
Coding change: c.304G>A on transcript NM_000363.5 (MANE Select); coding-DNA position 304, G replaced by A.
Protein change: p.Ala102Thr; replaces alanine 102 with threonine.
Molecular consequence: missense variant.
Genome position (GRCh38, 1-based): chr19:55,154,809, C>T on the plus strand (G>A on the coding strand, the complement: TNNI3 is on the minus strand). VCF-style: chr19-55154809-C-T. GRCh37 (hg19) VCF-style: chr19-55666177-C-T.
Other names: short protein forms A102T.
Identifiers: ClinVar variation 165521 (VCV000165521.26), dbSNP rs374618872, ClinGen allele CA021485.
Genomic context (GRCh38, chr19:55,154,809, plus strand): 5'-TGTTCTTGGTGACTTTTGCCTCTATGTCGTATCTCTCTTCATCCACCTTGTCCACACGGG[C>T]GTGGAGCTGTCGGCACAAGTCCTGGAGGAGGAACGTGGTGTGTGTTGTTGGGGGAACCAA-3'
Protein context (NP_000354.4, residues 92-112): ELQDLCRQLH[Ala102Thr]RVDKVDEERY

ClinVar aggregate classification (germline): Conflicting classifications of pathogenicity. Review status: criteria provided, conflicting classifications (1 of 4 stars). 11 submissions from 11 submitters: Uncertain significance (8); Likely benign (3). Last evaluated 2026-03-27.

Conditions:
Cardiovascular phenotype. Identifiers: MedGen CN230736.
TNNI3-related disorder. Also called: TNNI3-related condition; TNNI3-related disorders.
Cardiomyopathy (CMYO). Also called: Cardiomyopathies. Identifiers: Orphanet 167848, MedGen C0878544, MONDO:0004994, HP:0001638. Inheritance: Various modes of inheritance.
Hypertrophic cardiomyopathy. Also called: HYPERTROPHIC MYOCARDIOPATHY. Identifiers: Orphanet 217569, MedGen C0007194, MeSH D002312, MONDO:0005045, HP:0001639.

Allele frequency attached by ClinVar (database versions not stated): gnomAD exomes 0.00001 and 0.00002; ExAC 0.00002; gnomAD 0.00003; TOPMed 0.00004; ESP Exome Variant Server 0.00008.
gnomAD v4.1: 38 of 1,614,056 alleles (0.0024%); highest among the groups gnomAD compares: African/African-American, 0.0053%; no homozygotes.

Submissions (11):

Molecular Diagnostic Laboratory for Inherited Cardiovascular Disease, Montreal Heart Institute
Classification: Uncertain significance for Cardiovascular phenotype. Last evaluated: 2026-03-27. Review status: criteria provided, single submitter. Criteria: ACMG Guidelines, 2015. Collection method: clinical testing. Allele origin: germline. Affected: yes.
Comment: PM2, PP2

Labcorp Genetics (formerly Invitae), Labcorp
Classification: Uncertain significance for Hypertrophic cardiomyopathy. Last evaluated: 2025-12-20. Review status: criteria provided, single submitter. Criteria: Invitae Variant Classification Sherloc (09022015). Collection method: clinical testing. Allele origin: germline.
Comment: This sequence change replaces alanine, which is neutral and non-polar, with threonine, which is neutral and polar, at codon 102 of the TNNI3 protein (p.Ala102Thr). This variant is present in population databases (rs374618872, gnomAD 0.008%). This missense change has been observed in individual(s) with clinical features of hypertrophic cardiomyopathy (PMID: 28771489). ClinVar contains an entry for this variant (Variation ID: 165521). An algorithm developed to predict the effect of missense changes on protein structure and function outputs the following: PolyPhen-2: "Benign". The threonine amino acid residue is found in multiple mammalian species, which suggests that this missense change does not adversely affect protein function. In summary, the available evidence is currently insufficient to determine the role of this variant in disease. Therefore, it has been classified as a Variant of Uncertain Significance.

PreventionGenetics, part of Exact Sciences
Classification: Uncertain significance for TNNI3-related condition. Last evaluated: 2025-11-04. Review status: criteria provided, single submitter. Criteria: ACMG Guidelines, 2015. Collection method: clinical testing. Allele origin: germline.
Comment: The TNNI3 c.304G>A variant is predicted to result in the amino acid substitution p.Ala102Thr. This variant has been reported in two unrelated individuals affected with hypertrophic cardiomyopathy (Supplementary Table 2, Mademont-Soler et al. 2017. PubMed ID: 28771489). This variant is reported in 0.0083% of alleles in individuals of African descent in gnomAD and has conflicting interpretations regarding its pathogenicity in ClinVar, ranging from likely benign to uncertain (Clinvar ID: 165521). At this time, the clinical significance of this variant is uncertain due to the absence of conclusive functional and genetic evidence.

Women's Health and Genetics/Laboratory Corporation of America, LabCorp
Classification: Uncertain significance. Last evaluated: 2025-03-14. Review status: criteria provided, single submitter. Criteria: LabCorp Variant Classification Summary - May 2015. Collection method: clinical testing. Allele origin: germline.
Comment: Variant summary: TNNI3 c.304G>A (p.Ala102Thr) results in a non-conservative amino acid change in the encoded protein sequence. Four of five in-silico tools predict a benign effect of the variant on protein function. The variant allele was found at a frequency of 1.2e-05 in 249448 control chromosomes. The available data on variant occurrences in the general population are insufficient to allow any conclusion about variant significance. c.304G>A has been reported in the literature as a VUS in a setting of multigene panel testing in two individuals from a Hypertrophic Cardiomyopathy cohort (Mademont-Soler_2017). This report does not provide unequivocal conclusions about association of the variant with Cardiomyopathy. To our knowledge, no experimental evidence demonstrating an impact on protein function has been reported. The following publication has been ascertained in the context of this evaluation (PMID: 28771489). ClinVar contains an entry for this variant (Variation ID: 165521). Based on the evidence outlined above, the variant was classified as uncertain significance.

All of Us Research Program, National Institutes of Health
Classification: Uncertain significance for Hypertrophic cardiomyopathy. Last evaluated: 2024-07-10. Review status: criteria provided, single submitter. Criteria: ACMG Guidelines, 2015. Collection method: clinical testing. Allele origin: germline. Inheritance: Autosomal dominant inheritance. Observed: 5 variant alleles, 5 heterozygotes.
Comment: This missense variant replaces alanine with threonine at codon 102 of the TNNI3 protein. Computational prediction is inconclusive regarding the impact of this variant on protein structure and function (internally defined REVEL score threshold 0.5 < inconclusive < 0.7, PMID: 27666373). To our knowledge, functional studies have not been reported for this variant. This variant has been reported in two unrelated individuals affected with hypertrophic cardiomyopathy (PMID: 28771489). This variant has also been identified in 5/280854 chromosomes in the general population by the Genome Aggregation Database (gnomAD). The available evidence is insufficient to determine the role of this variant in disease conclusively. Therefore, this variant is classified as a Variant of Uncertain Significance.

This study involves interpretation of variants in research participants for the purpose of population health screening. Participant phenotype was not available at the time of variant classification. Additional details can be found in publication PMID: 35346344, PMCID: PMC8962531

Color Diagnostics, LLC DBA Color Health
Classification: Uncertain significance for Cardiomyopathy. Last evaluated: 2024-05-10. Review status: criteria provided, single submitter. Criteria: ACMG Guidelines, 2015. Collection method: clinical testing. Allele origin: germline.
Comment: This missense variant replaces alanine with threonine at codon 102 of the TNNI3 protein. Computational prediction tools indicate that this variant's impact on protein structure and function is inconclusive. To our knowledge, functional studies have not been reported for this variant. This variant has been reported in two unrelated individuals affected with hypertrophic cardiomyopathy (PMID: 28771489). This variant has been identified in 5/280854 chromosomes in the general population by the Genome Aggregation Database (gnomAD). The available evidence is insufficient to determine the role of this variant in disease conclusively. Therefore, this variant is classified as a Variant of Uncertain Significance.

Ambry Genetics
Classification: Uncertain significance for Cardiovascular phenotype. Last evaluated: 2024-03-06. Review status: criteria provided, single submitter. Criteria: Ambry Variant Classification Scheme 2023. Collection method: clinical testing. Allele origin: germline.
Comment: The p.A102T variant (also known as c.304G>A), located in coding exon 6 of the TNNI3 gene, results from a G to A substitution at nucleotide position 304. The alanine at codon 102 is replaced by threonine, an amino acid with similar properties. This variant was reported in two individuals from a hypertrophic cardiomyopathy cohort; however, clinical details were limited, and additional cardiac variants were also detected (Mademont-Soler I et al. PLoS One, 2017 Aug;12:e0181465). This amino acid position is not well conserved in available vertebrate species. In addition, the in silico prediction for this alteration is inconclusive. Since supporting evidence is limited at this time, the clinical significance of this alteration remains unclear.

Blueprint Genetics
Classification: Likely benign. Last evaluated: 2022-01-17. Review status: criteria provided, single submitter. Criteria: ACMG Guidelines, 2015. Collection method: clinical testing. Allele origin: germline.

CHEO Genetics Diagnostic Laboratory, Children's Hospital of Eastern Ontario
Classification: Uncertain significance for Cardiomyopathy. Last evaluated: 2018-06-13. Review status: criteria provided, single submitter. Criteria: ACMG Guidelines, 2015. Collection method: clinical testing. Allele origin: germline.

GeneDx
Classification: Likely benign. Last evaluated: 2017-04-06. Review status: criteria provided, single submitter. Criteria: GeneDx Variant Classification (06012015). Collection method: clinical testing. Allele origin: germline. Affected: yes.
Comment: This variant is considered likely benign or benign based on one or more of the following criteria: it is a conservative change, it occurs at a poorly conserved position in the protein, it is predicted to be benign by multiple in silico algorithms, and/or has population frequency not consistent with disease.

Laboratory for Molecular Medicine, Mass General Brigham Personalized Medicine
Classification: Likely benign. Last evaluated: 2013-09-24. Review status: criteria provided, single submitter. Criteria: LMM Criteria. Collection method: clinical testing. Allele origin: germline. Observed: 1 variant allele.
Comment: Ala102Thr in exon 6 of TNNI3: This variant is not expected to have clinical sign ificance due to a lack of conservation across species, including mammals. Of not e, 4 mammals (marmoset, kangaroo rat, guinea pig, squirrel) have a threonine (Th r) at this position, despite high nearby amino acid conservation. In addition, c omputational analyses (AlignGVGD, PolyPhen2, SIFT) do not suggest a high likelih ood of impact to the protein. This variant has also been identified in 1/4224 Af rican American chromosomes by the NHLBI Exome Sequencing Project (.; dbSNP rs374618872).

Literature cited by the submitters: PubMed 28771489 (cited by 5 submitters).